The following is an entry in ClinVar:

ClinVar aggregate classification (germline): Uncertain significance. Review status: criteria provided, multiple submitters, no conflicts (2 of 4 stars). 2 submissions from 2 submitters: Uncertain significance (2). Last evaluated 2026-09-18.

Conditions:
CTNNA3-related disorder. Also called: CTNNA3-related condition.

Allele frequency attached by ClinVar (database versions not stated): gnomAD exomes below 0.00001.
gnomAD v4.1: 1 of 1,614,210 alleles (0.000062%); highest among the groups gnomAD compares: African/African-American, 0.0013%; no homozygotes.

Submissions (2):

PreventionGenetics, part of Exact Sciences
Classification: Uncertain significance for CTNNA3-related condition. Last evaluated: 2026-09-18. Review status: criteria provided, single submitter. Criteria: ACMG Guidelines, 2015. Collection method: clinical testing. Allele origin: germline.
Comment: The CTNNA3 c.2459A>G variant is predicted to result in the amino acid substitution p.Gln820Arg. To our knowledge, this variant has not been reported in the literature or in a large population database (gnomAD), indicating this variant is rare. At this time, the clinical significance of this variant is uncertain due to the absence of conclusive functional and genetic evidence.

Ambry Genetics
Classification: Uncertain significance. Last evaluated: 2025-05-28. Review status: criteria provided, single submitter. Criteria: Ambry Variant Classification Scheme 2023. Collection method: clinical testing. Allele origin: germline.

NM_013266.4(CTNNA3):c.2459A>G (p.Gln820Arg)

Gene: CTNNA3 (catenin alpha 3; minus strand). Cytogenetic location: 10q21.3.
Variant type: single nucleotide variant.
Coding change: c.2459A>G on transcript NM_013266.4 (MANE Select); coding-DNA position 2459, A replaced by G.
Protein change: p.Gln820Arg; replaces glutamine 820 with arginine.
Molecular consequence: missense variant.
Genome position (GRCh38, 1-based): chr10:65,920,559, T>C on the plus strand (A>G on the coding strand, the complement: CTNNA3 is on the minus strand). VCF-style: chr10-65920559-T-C. GRCh37 (hg19) VCF-style: chr10-67680317-T-C.
Other names: c.2459A>G, p.Gln820Arg (NM_001127384.3); c.2459A>G (NM_013266.3); short protein forms Q820R.
Identifiers: ClinVar variation 3226239 (VCV003226239.3), dbSNP rs1483630244, ClinGen allele CA377089062.
Genomic context (GRCh38, chr10:65,920,559, plus strand): 5'-CCAGCAGGACTCTGGATTCGGATGATCTTGGTTGAGGCAATGTAAGACATTTTCACTGTT[T>C]GCACTACAGCATTCATTAAATTTTTGGCTGCTTGGATCAGGGATGTGACACTGTCCAACT-3'
Protein context (NP_037398.2, residues 810-830): AAKNLMNAVV[Gln820Arg]TVKMSYIAST